The following is an entry in ClinVar:

NM_001364905.1(LRBA):c.6827G>A (p.Arg2276His)

Gene: LRBA (LPS responsive beige-like anchor protein; minus strand). Cytogenetic location: 4q31.3.
Variant type: single nucleotide variant.
Coding change: c.6827G>A on transcript NM_001364905.1 (MANE Select); coding-DNA position 6827, G replaced by A.
Protein change: p.Arg2276His; replaces arginine 2276 with histidine.
Molecular consequence: missense variant.
Genome position (GRCh38, 1-based): chr4:150,436,818, C>T on the plus strand (G>A on the coding strand, the complement: LRBA is on the minus strand). VCF-style: chr4-150436818-C-T. GRCh37 (hg19) VCF-style: chr4-151357970-C-T.
Other names: c.6827G>A, p.Arg2276His (NM_001199282.3, NM_001367550.1); c.6860G>A, p.Arg2287His (NM_006726.5); short protein forms R2287H, R2276H.
Identifiers: ClinVar variation 837277 (VCV000837277.48), dbSNP rs200802435, ClinGen allele CA3101801.

ClinVar aggregate classification (germline): Uncertain significance. Review status: criteria provided, multiple submitters, no conflicts (2 of 4 stars). 5 submissions from 5 submitters: Uncertain significance (5). Last evaluated 2025-03-04.

Conditions:
Combined immunodeficiency due to LRBA deficiency. Also called: Common variable immunodeficiency 8, with autoimmunity. Identifiers: Orphanet 445018, MedGen C3553512, MONDO:0013863, OMIM 614700.

Allele frequency attached by ClinVar (database versions not stated): gnomAD 0.00010 and 0.00011; ExAC 0.00014; gnomAD exomes 0.00015 and 0.00016; 1000 Genomes Project 30x 0.00016; 1000 Genomes Project 0.00020; TOPMed 0.00007; ESP Exome Variant Server 0.00008.
gnomAD v4.1: 244 of 1,613,720 alleles (0.015%); highest among the groups gnomAD compares: Middle Eastern, 0.099%; no homozygotes.

Submissions (5):

Center for Genomic Medicine, Rigshospitalet, Copenhagen University Hospital
Classification: Uncertain significance. Last evaluated: 2025-03-04. Review status: criteria provided, single submitter. Criteria: ACMG Guidelines, 2015. Collection method: clinical testing. Allele origin: germline.

Blueprint Genetics
Classification: Uncertain significance. Last evaluated: 2024-09-23. Review status: criteria provided, single submitter. Criteria: ACMG Guidelines, 2015. Collection method: clinical testing. Allele origin: germline.

Labcorp Genetics (formerly Invitae), Labcorp
Classification: Uncertain significance for Combined immunodeficiency due to LRBA deficiency. Last evaluated: 2022-08-15. Review status: criteria provided, single submitter. Criteria: Invitae Variant Classification Sherloc (09022015). Collection method: clinical testing. Allele origin: germline.
Comment: This sequence change replaces arginine, which is basic and polar, with histidine, which is basic and polar, at codon 2287 of the LRBA protein (p.Arg2287His). This variant is present in population databases (rs200802435, gnomAD 0.04%). This variant has not been reported in the literature in individuals affected with LRBA-related conditions. ClinVar contains an entry for this variant (Variation ID: 837277). Algorithms developed to predict the effect of missense changes on protein structure and function are either unavailable or do not agree on the potential impact of this missense change (SIFT: "Deleterious"; PolyPhen-2: "Probably Damaging"; Align-GVGD: "Class C0"). In summary, the available evidence is currently insufficient to determine the role of this variant in disease. Therefore, it has been classified as a Variant of Uncertain Significance.

Johns Hopkins Genomics, Johns Hopkins University
Classification: Uncertain significance for Combined immunodeficiency due to LRBA deficiency. Last evaluated: 2020-12-22. Review status: criteria provided, single submitter. Criteria: ACMG Guidelines, 2015. Collection method: clinical testing. Allele origin: germline.
Comment: This LRBA variant (rs200802435) is rare (<0.1%) in a large population dataset (gnomAD: 40/282366 total alleles; 0.014%; no homozygotes). It has an entry in ClinVar, but has not been reported in the literature in individuals with LRBA-related conditions. Three bioinformatics tools predict that this substitution would be damaging. The arginine residue at this position is strongly conserved across the vertebrate species accessed. This variant is not predicted to affect normal exon 46 splicing, although this has not been confirmed experimentally to our knowledge. This variant alone is not expected to cause CVID8. Due to insufficient evidence, we consider the clinical significance of c.6860G>A to be uncertain at this time.

CeGaT Center for Human Genetics Tuebingen
Classification: Uncertain significance. Last evaluated: 2019-07-01. Review status: criteria provided, single submitter. Criteria: CeGaT Center For Human Genetics Tuebingen Variant Classification Criteria Version 2. Collection method: clinical testing. Allele origin: germline. Affected: yes. Observed: 1 variant allele.

Literature cited by the submitters: PubMed 22608502 (cited by Johns Hopkins Genomics, Johns Hopkins University); PubMed 25931386 (cited by Johns Hopkins Genomics, Johns Hopkins University); PubMed 26206937 (cited by Johns Hopkins Genomics, Johns Hopkins University).